The following is an entry in ClinVar:

NM_000388.4(CASR):c.2942A>T (p.Glu981Val)

Gene: CASR (calcium sensing receptor; plus strand). Cytogenetic location: 3q21.1.
Variant type: single nucleotide variant.
Coding change: c.2942A>T on transcript NM_000388.4 (MANE Select); coding-DNA position 2942, A replaced by T.
Protein change: p.Glu981Val; replaces glutamic acid 981 with valine.
Molecular consequence: missense variant.
Genome position (GRCh38, 1-based): chr3:122,284,896, A>T. VCF-style: chr3-122284896-A-T. GRCh37 (hg19) VCF-style: chr3-122003743-A-T.
Other names: c.2972A>T, p.Glu991Val (NM_001178065.2); short protein forms E981V, E991V.
Identifiers: ClinVar variation 944226 (VCV000944226.10), dbSNP rs766653315, ClinGen allele CA354161110.

ClinVar aggregate classification (germline): Uncertain significance (1 of 4 stars; one submission).

Conditions:
Familial hypocalciuric hypercalcemia (FHH). Also called: Familial benign hypercalcemia. Identifiers: Orphanet 405, MedGen C1809471, MONDO:0018458.
Autosomal dominant hypocalcemia 1 (HYPOC1). Also called: HYPOCALCEMIA, FAMILIAL. Identifiers: MedGen C3715128, MONDO:0011013, OMIM 601198.

Submission:

Labcorp Genetics (formerly Invitae), Labcorp
Classification: Uncertain significance for Familial hypocalciuric hypercalcemia; Autosomal dominant hypocalcemia 1. Last evaluated: 2019-08-14. Review status: criteria provided, single submitter. Criteria: Invitae Variant Classification Sherloc (09022015). Collection method: clinical testing. Allele origin: germline.
Comment: In summary, the available evidence is currently insufficient to determine the role of this variant in disease. Therefore, it has been classified as a Variant of Uncertain Significance. Algorithms developed to predict the effect of missense changes on protein structure and function (SIFT, PolyPhen-2, Align-GVGD) all suggest that this variant is likely to be disruptive, but these predictions have not been confirmed by published functional studies and their clinical significance is uncertain. This variant has not been reported in the literature in individuals with CASR-related conditions. This variant is not present in population databases (ExAC no frequency). This sequence change replaces glutamic acid with valine at codon 981 of the CASR protein (p.Glu981Val). The glutamic acid residue is highly conserved and there is a moderate physicochemical difference between glutamic acid and valine.